The following is an entry in ClinVar:

NM_138927.4(SON):c.2149G>C (p.Ala717Pro)

Gene: SON (SON DNA and RNA binding protein; plus strand). Cytogenetic location: 21q22.11.
Variant type: single nucleotide variant.
Coding change: c.2149G>C on transcript NM_138927.4 (MANE Select); coding-DNA position 2149, G replaced by C.
Protein change: p.Ala717Pro; replaces alanine 717 with proline.
Molecular consequence: missense variant. On other transcripts: non-coding transcript variant (1), intron variant (1).
Genome position (GRCh38, 1-based): chr21:33,551,380, G>C. VCF-style: chr21-33551380-G-C. GRCh37 (hg19) VCF-style: chr21-34923686-G-C.
Other names: c.2149G>C, p.Ala717Pro (NM_001291411.2, NM_032195.3); c.244+5001G>C (NM_001291412.3); short protein forms A717P.
Identifiers: ClinVar variation 3660578 (VCV003660578.2).
Genomic context (GRCh38, chr21:33,551,380, plus strand): 5'-GGGGAGACTTCTGTAACAGTAGGAGTGGATCCCTTGATGGCCCCAGAATCCCATATATTA[G>C]CTTCTAACACCATGGAGACCCATATATTAGCATCCAACACCATGGACTCCCAAATGCTAG-3'
Protein context (NP_620305.3, residues 707-727): PLMAPESHIL[Ala717Pro]SNTMETHILA

ClinVar aggregate classification (germline): Uncertain significance (1 of 4 stars; one submission).

Submission:

Labcorp Genetics (formerly Invitae), Labcorp
Classification: Uncertain significance. Last evaluated: 2025-10-20. Review status: criteria provided, single submitter. Criteria: Invitae Variant Classification Sherloc (09022015). Collection method: clinical testing. Allele origin: germline.
Comment: This sequence change replaces alanine, which is neutral and non-polar, with proline, which is neutral and non-polar, at codon 717 of the SON protein (p.Ala717Pro). This variant is not present in population databases (gnomAD no frequency). This variant has not been reported in the literature in individuals affected with SON-related conditions. ClinVar contains an entry for this variant (Variation ID: 3660578). An algorithm developed to predict the effect of missense changes on protein structure and function (PolyPhen-2) suggests that this variant is likely to be disruptive. In summary, the available evidence is currently insufficient to determine the role of this variant in disease. Therefore, it has been classified as a Variant of Uncertain Significance.